The following is an entry in ClinVar:

NM_001128840.3(CACNA1D):c.3279G>A (p.Ala1093=)

Gene: CACNA1D (calcium voltage-gated channel subunit alpha1 D; plus strand). Cytogenetic location: 3p21.1.
Variant type: single nucleotide variant.
Coding change: c.3279G>A on transcript NM_001128840.3 (MANE Select); coding-DNA position 3279, G replaced by A.
Protein change: p.Ala1093=; no amino-acid change (alanine 1093 retained).
Molecular consequence: synonymous variant.
Genome position (GRCh38, 1-based): chr3:53,747,413, G>A. VCF-style: chr3-53747413-G-A. GRCh37 (hg19) VCF-style: chr3-53781440-G-A.
Other names: p.Ala1113=; c.3339G>A, p.Ala1113= (NM_000720.4); c.3279G>A, p.Ala1093= (NM_001128839.3).
Identifiers: ClinVar variation 226472 (VCV000226472.49), dbSNP rs36061665, ClinGen allele CA2454510.
Genomic context (GRCh38, chr3:53,747,413, plus strand): 5'-TGAACGGATCTGGCAAAACAGTGATTTCAACTTCGACAACGTCCTCTCTGCTATGATGGC[G>A]CTCTTCACAGTCTCCACGTTTGAGGGCTGGCCTGCGTAAGTACAGGGAGCACACAGTCTT-3'
Protein context (NP_001122312.1, residues 1083-1103): NFDNVLSAMM[Ala1093=]LFTVSTFEGW

ClinVar aggregate classification (germline): Benign/Likely benign. Review status: criteria provided, multiple submitters, no conflicts (2 of 4 stars). 12 submissions from 12 submitters: Benign (4); Likely benign (5). 3 of the submissions do not count toward it. Last evaluated 2026-07-01.

Allele frequency attached by ClinVar (database versions not stated): 1000 Genomes Project 0.00180; 1000 Genomes Project 30x 0.00203; TOPMed 0.00271; ESP Exome Variant Server 0.00284.
gnomAD v4.1: 5,501 of 1,614,168 alleles (0.34%); highest among the groups gnomAD compares: Non-Finnish European, 0.42%; 9 homozygotes.

Submissions (12):

CeGaT Center for Human Genetics Tuebingen
Classification: Likely benign. Last evaluated: 2026-07-01. Review status: criteria provided, single submitter. Criteria: CeGaT Center For Human Genetics Tuebingen Variant Classification Criteria Version 2. Collection method: clinical testing. Allele origin: germline. Affected: yes. Observed: 7 variant alleles.
Comment: CACNA1D: BP4, BP7

Labcorp Genetics (formerly Invitae), Labcorp
Classification: Benign. Last evaluated: 2026-02-02. Review status: criteria provided, single submitter. Criteria: Invitae Variant Classification Sherloc (09022015). Collection method: clinical testing. Allele origin: germline.

Mayo Clinic Laboratories, Mayo Clinic
Classification: Likely benign. Last evaluated: 2025-08-08. Review status: criteria provided, single submitter. Criteria: ACMG Guidelines, 2015. Collection method: clinical testing. Allele origin: germline. Observed: 5 variant alleles.
Comment: BS1_supporting, BP4, BP7

Blueprint Genetics
Classification: Likely benign. Last evaluated: 2024-11-15. Review status: criteria provided, single submitter. Criteria: ACMG Guidelines, 2015. Collection method: clinical testing. Allele origin: germline.

Genetic Services Laboratory, University of Chicago
Classification: Benign. Last evaluated: 2021-03-18. Review status: criteria provided, single submitter. Criteria: ACMG Guidelines, 2015. Collection method: clinical testing. Allele origin: germline. Affected: no.

Athena Diagnostics
Classification: Benign. Last evaluated: 2018-09-20. Review status: criteria provided, single submitter. Criteria: Athena Diagnostics Criteria. Collection method: clinical testing. Allele origin: germline.

GeneDx
Classification: Likely benign. Last evaluated: 2018-03-23. Review status: criteria provided, single submitter. Criteria: GeneDx Variant Classification (06012015). Collection method: clinical testing. Allele origin: germline. Affected: yes.
Comment: This variant is considered likely benign or benign based on one or more of the following criteria: it is a conservative change, it occurs at a poorly conserved position in the protein, it is predicted to be benign by multiple in silico algorithms, and/or has population frequency not consistent with disease.

Laboratory for Molecular Medicine, Mass General Brigham Personalized Medicine
Classification: Benign. Last evaluated: 2014-11-24. Review status: criteria provided, single submitter. Criteria: LMM Criteria. Collection method: clinical testing. Allele origin: germline. Observed: 9 variant alleles.
Comment: Ala1113Ala in exon 27 of CACNA1D: This variant is not expected to have clinical significance because it does not alter an amino acid residue and is not located within the splice consensus sequence. It has been identified in 0.4% (33/8600) o f European American chromosomes from a broad population by the NHLBI Exome Seque ncing Project (dbSNP rs36061665).

Breakthrough Genomics
Classification: Likely benign. Review status: criteria provided, single submitter. Criteria: ACMG Guidelines, 2015. Collection method: not provided. Allele origin: germline. Inheritance: Autosomal recessive inheritance. Affected: yes.

Clinical Genetics DNA and cytogenetics Diagnostics Lab, Erasmus MC, Erasmus Medical Center
Classification: Likely benign. Review status: no assertion criteria provided. Collection method: clinical testing. Allele origin: germline. Affected: yes. Study: VKGL Data-share Consensus. Not counted in ClinVar's aggregate classification.

Clinical Genetics, Academic Medical Center
Classification: Benign. Review status: no assertion criteria provided. Collection method: clinical testing. Allele origin: germline. Affected: yes. Study: VKGL Data-share Consensus. Not counted in ClinVar's aggregate classification.

Genome Diagnostics Laboratory, University Medical Center Utrecht
Classification: Likely benign. Review status: no assertion criteria provided. Collection method: clinical testing. Allele origin: germline. Affected: yes. Study: VKGL Data-share Consensus. Not counted in ClinVar's aggregate classification.